The following is an entry in ClinVar:

ClinVar aggregate classification (germline): Uncertain significance (1 of 4 stars; one submission).

Submission:

CeGaT Center for Human Genetics Tuebingen
Classification: Uncertain significance. Last evaluated: 2026-07-01. Review status: criteria provided, single submitter. Criteria: CeGaT Center For Human Genetics Tuebingen Variant Classification Criteria Version 2. Collection method: clinical testing. Allele origin: germline. Affected: yes. Observed: 1 variant allele.
Comment: MYT1L: PM1, PM2, PP2

NM_001303052.2(MYT1L):c.1704C>G (p.His568Gln)

Gene: MYT1L (myelin transcription factor 1 like; minus strand). Cytogenetic location: 2p25.3.
Variant type: single nucleotide variant.
Coding change: c.1704C>G on transcript NM_001303052.2 (MANE Select); coding-DNA position 1704, C replaced by G.
Protein change: p.His568Gln; replaces histidine 568 with glutamine.
Molecular consequence: missense variant.
Genome position (GRCh38, 1-based): chr2:1,912,025, G>C on the plus strand (C>G on the coding strand, the complement: MYT1L is on the minus strand). VCF-style: chr2-1912025-G-C. GRCh37 (hg19) VCF-style: chr2-1915797-G-C.
Other names: c.1704C>G, p.His568Gln (NM_001329845.1, NM_001329851.3, NM_001329844.2); c.1698C>G, p.His566Gln (NM_001329846.3, NM_001329847.2, NM_001329848.1 and 3 more transcripts); short protein forms H566Q, H568Q.
Identifiers: ClinVar variation 5040321 (VCV005040321.1).